The following is an entry in ClinVar:

ClinVar aggregate classification (germline): Benign/Likely benign. Review status: criteria provided, multiple submitters, no conflicts (2 of 4 stars). 10 submissions from 10 submitters: Benign (6); Likely benign (3). 1 of the submissions does not count toward it. Last evaluated 2026-09-01.

Conditions:
Hereditary cancer-predisposing syndrome. Also called: Neoplastic Syndromes, Hereditary; Tumor predisposition; Hereditary neoplastic syndrome; Hereditary Cancer Syndrome. Identifiers: Orphanet 140162, MedGen C0027672, MeSH D009386, MONDO:0015356.
Tuberous sclerosis syndrome (TSC). Also called: Tuberous Sclerosis Complex; Tuberous sclerosis. Identifiers: Orphanet 805, MedGen C0041341, MONDO:0001734.
Tuberous sclerosis 2 (TSC2). Identifiers: Orphanet 805, MedGen C1860707, MONDO:0013199, OMIM 613254.

Allele frequency attached by ClinVar (database versions not stated): gnomAD 0.00001; TOPMed 0.00005; 1000 Genomes Project 30x 0.00016; ExAC 0.00017; 1000 Genomes Project 0.00020; gnomAD exomes 0.00020.
gnomAD v4.1: 50 of 1,613,552 alleles (0.0031%); highest among the groups gnomAD compares: Admixed American, 0.082%; no homozygotes.

Submissions (10):

CeGaT Center for Human Genetics Tuebingen
Classification: Likely benign. Last evaluated: 2026-09-01. Review status: criteria provided, single submitter. Criteria: CeGaT Center For Human Genetics Tuebingen Variant Classification Criteria Version 2. Collection method: clinical testing. Allele origin: germline. Affected: yes. Observed: 3 variant alleles.
Comment: TSC2: PP3, BS2

Labcorp Genetics (formerly Invitae), Labcorp
Classification: Benign for Tuberous sclerosis 2. Last evaluated: 2026-01-25. Review status: criteria provided, single submitter. Criteria: Invitae Variant Classification Sherloc (09022015). Collection method: clinical testing. Allele origin: germline.

Color Diagnostics, LLC DBA Color Health
Classification: Benign for Tuberous sclerosis syndrome. Last evaluated: 2022-08-31. Review status: criteria provided, single submitter. Criteria: ACMG Guidelines, 2015. Collection method: clinical testing. Allele origin: germline.

Quest Diagnostics Nichols Institute San Juan Capistrano
Classification: Benign. Last evaluated: 2022-04-05. Review status: criteria provided, single submitter. Criteria: Quest Diagnostics criteria. Collection method: clinical testing. Allele origin: unknown.
Comment: The frequency of this variant in the general population is higher than would generally be expected for pathogenic variants in this gene. Computational tools predict this amino acid change may be benign.

Genome-Nilou Lab
Classification: Benign for Tuberous sclerosis 2. Last evaluated: 2021-11-07. Review status: criteria provided, single submitter. Criteria: ACMG Guidelines, 2015. Collection method: clinical testing. Allele origin: germline. Affected: no.

Sema4
Classification: Benign for Hereditary cancer-predisposing syndrome. Last evaluated: 2021-06-12. Review status: criteria provided, single submitter. Criteria: Sema4 Curation Guidelines. Collection method: curation. Allele origin: germline.

GeneDx
Classification: Benign. Last evaluated: 2020-11-10. Review status: criteria provided, single submitter. Criteria: GeneDx Variant Classification Process June 2021. Collection method: clinical testing. Allele origin: germline. Affected: yes.
Comment: This variant is associated with the following publications: (PMID: 24728327)

Ambry Genetics
Classification: Likely benign for Hereditary cancer-predisposing syndrome. Last evaluated: 2020-09-29. Review status: criteria provided, single submitter. Criteria: Ambry Variant Classification Scheme 2023. Collection method: clinical testing. Allele origin: germline.

PreventionGenetics, part of Exact Sciences
Classification: Likely benign. Review status: criteria provided, single submitter. Criteria: ACMG Guidelines, 2015. Collection method: clinical testing. Allele origin: germline.

ITMI
No classification provided. Condition: AllHighlyPenetrant. Last evaluated: 2013-09-19. Review status: no classification provided. Collection method: reference population. Allele origin: germline. Not counted in ClinVar's aggregate classification.
Comment: Please see associated publication for description of ethnicities

Literature cited by the submitters: PubMed 26580448 (cited by Ambry Genetics); PubMed 24728327 (cited by ITMI).

NM_000548.5(TSC2):c.2761C>G (p.Leu921Val)

Gene: TSC2 (TSC complex subunit 2; plus strand). Cytogenetic location: 16p13.3.
Variant type: single nucleotide variant.
Coding change: c.2761C>G on transcript NM_000548.5 (MANE Select); coding-DNA position 2761, C replaced by G.
Protein change: p.Leu921Val; replaces leucine 921 with valine.
Molecular consequence: missense variant.
Genome position (GRCh38, 1-based): chr16:2,076,509, C>G. VCF-style: chr16-2076509-C-G. GRCh37 (hg19) VCF-style: chr16-2126510-C-G.
Other names: p.L921V:CTC>GTC; c.2761C>G, p.Leu921Val (NM_001077183.3, NM_001114382.3, NM_001363528.2 and 3 more transcripts); c.2650C>G, p.Leu884Val (NM_001318827.2); c.2614C>G, p.Leu872Val (NM_001318829.2); c.2161C>G, p.Leu721Val (NM_001318831.2); c.2794C>G, p.Leu932Val (NM_001318832.2); short protein forms L921V, L884V, L721V, L932V, L872V.
Identifiers: ClinVar variation 135375 (VCV000135375.23), dbSNP rs201835391, ClinGen allele CA018107.